The following is an entry in ClinVar:

NM_001352027.3(PHF21A):c.1667A>G (p.Tyr556Cys)

Gene: PHF21A (PHD finger protein 21A; minus strand). Cytogenetic location: 11p11.2.
Variant type: single nucleotide variant.
Coding change: c.1667A>G on transcript NM_001352027.3 (MANE Select); coding-DNA position 1667, A replaced by G.
Protein change: p.Tyr556Cys; replaces tyrosine 556 with cysteine.
Molecular consequence: missense variant. On other transcripts: non-coding transcript variant (2).
Genome position (GRCh38, 1-based): chr11:45,936,511, T>C on the plus strand (A>G on the coding strand, the complement: PHF21A is on the minus strand). VCF-style: chr11-45936511-T-C. GRCh37 (hg19) VCF-style: chr11-45958062-T-C.
Other names: c.1664A>G, p.Tyr555Cys (NM_001101802.3); c.1667A>G, p.Tyr556Cys (NM_001352025.3, NM_001352026.3); c.1526A>G, p.Tyr509Cys (NM_001352028.1, NM_001352029.1, NM_016621.5); c.1523A>G, p.Tyr508Cys (NM_001352030.3, NM_001352031.3, NM_001352032.3); short protein forms Y508C, Y555C, Y509C, Y556C.
Identifiers: ClinVar variation 2974081 (VCV002974081.3), dbSNP rs2089093181, ClinGen allele CA380255814.

ClinVar aggregate classification (germline): Uncertain significance (1 of 4 stars; one submission).

Allele frequency attached by ClinVar (database versions not stated): gnomAD exomes below 0.00001.
gnomAD v4.1: 2 of 1,611,408 alleles (0.00012%); highest among the groups gnomAD compares: Non-Finnish European, 0.00017%; no homozygotes.

Submission:

Labcorp Genetics (formerly Invitae), Labcorp
Classification: Uncertain significance. Last evaluated: 2023-05-07. Review status: criteria provided, single submitter. Criteria: Invitae Variant Classification Sherloc (09022015). Collection method: clinical testing. Allele origin: germline.
Comment: This variant has not been reported in the literature in individuals affected with PHF21A-related conditions. This variant is not present in population databases (gnomAD no frequency). This sequence change replaces tyrosine, which is neutral and polar, with cysteine, which is neutral and slightly polar, at codon 555 of the PHF21A protein (p.Tyr555Cys). Advanced modeling of protein sequence and biophysical properties (such as structural, functional, and spatial information, amino acid conservation, physicochemical variation, residue mobility, and thermodynamic stability) performed at Invitae indicates that this missense variant is expected to disrupt PHF21A protein function. In summary, the available evidence is currently insufficient to determine the role of this variant in disease. Therefore, it has been classified as a Variant of Uncertain Significance.